The following is an entry in ClinVar:

NM_001330260.2(SCN8A):c.2519T>C (p.Leu840Pro)

Gene: SCN8A (sodium voltage-gated channel alpha subunit 8; plus strand). Cytogenetic location: 12q13.13.
Variant type: single nucleotide variant.
Coding change: c.2519T>C on transcript NM_001330260.2 (MANE Select); coding-DNA position 2519, T replaced by C.
Protein change: p.Leu840Pro; replaces leucine 840 with proline.
Molecular consequence: missense variant.
Genome position (GRCh38, 1-based): chr12:51,762,651, T>C. VCF-style: chr12-51762651-T-C. GRCh37 (hg19) VCF-style: chr12-52156435-T-C.
Other names: c.2519T>C (NM_014191.3); c.2519T>C, p.Leu840Pro (NM_001177984.3, NM_001369788.1, NM_014191.4); short protein forms L840P.
Identifiers: ClinVar variation 3067142 (VCV003067142.2), dbSNP rs878854974, ClinGen allele CA384884687.
Genomic context (GRCh38, chr12:51,762,651, plus strand): 5'-TTGACGGATTTATTGTCTCCCTCAGTTTAATGGAACTGAGTCTAGCAGACGTGGAGGGGC[T>C]TTCAGTGCTGCGATCTTTCCGATTGGTATTCCATATTTCTCCAATTTCTTTTAACATTTC-3'
Protein context (NP_001317189.1, residues 830-850): MELSLADVEG[Leu840Pro]SVLRSFRLLR

Conditions:
Complex neurodevelopmental disorder. Identifiers: Orphanet 528084, MedGen C5568766, MONDO:0100038.

Submission:

Channelopathy-Associated Epilepsy Research Center
No classification provided (evidence only). Condition: Complex neurodevelopmental disorder. Review status: no classification provided. Collection method: literature only. Allele origin: not applicable. Functional consequence: Mild hyperpolarizing shift of voltage dependence of activation, Overall gain-of-function effect with respect to biophysical channel activity, Normal peak current, Normal voltage dependence of fast inactivation, Normal slope of fast inactivation, Normal fast inactivation, Normal rate of recovery from fast inactivation.
ClinVar note: "not provided" was previously submitted as the classification for the variant. However, the classification appeared to be based only on an observation of functional data so it was converted to no classification on 2025-07-30.

Literature cited by the submitters: PubMed 34431999.